The following is an entry in ClinVar:

ClinVar aggregate classification (germline): Pathogenic (1 of 4 stars; one submission).

Conditions:
Familial cancer of breast. Also called: BREAST CANCER, FAMILIAL; Hereditary breast cancer; hereditary breast carcinoma. Identifiers: Orphanet 227535, MedGen C0346153, MONDO:0016419, OMIM 114480. Disease mechanism: loss of function.

Submission:

Labcorp Genetics (formerly Invitae), Labcorp
Classification: Pathogenic for Familial cancer of breast. Last evaluated: 2021-03-18. Review status: criteria provided, single submitter. Criteria: Invitae Variant Classification Sherloc (09022015). Collection method: clinical testing. Allele origin: germline.
Comment: For these reasons, this variant has been classified as Pathogenic. This variant has not been reported in the literature in individuals with BARD1-related conditions. This variant is not present in population databases (ExAC no frequency). This sequence change creates a premature translational stop signal (p.Ser410Profs*4) in the BARD1 gene. It is expected to result in an absent or disrupted protein product. Loss-of-function variants in BARD1 are known to be pathogenic (PMID: 20077502, 21344236).

Literature cited by the submitters: PubMed 20077502; PubMed 21344236.

NM_000465.4(BARD1):c.1227_1230del (p.Ser410fs)

Gene: BARD1 (BRCA1 associated RING domain 1; minus strand). Cytogenetic location: 2q35.
Variant type: Deletion.
Coding change: c.1227_1230del on transcript NM_000465.4 (MANE Select); coding-DNA positions 1227 to 1230, 4 bases deleted (TAGT; older notation c.1227_1230delTAGT).
Protein change: p.Ser410fs; shifts the reading frame from serine 410.
Molecular consequence: frameshift variant. On other transcripts: non-coding transcript variant (2), intron variant (3).
Genome position (GRCh38, 1-based): chr2:214,780,644-214,780,647, ACTA deleted on the plus strand (TAGT on the coding strand, the reverse complement: BARD1 is on the minus strand). VCF-style (leftmost placement, unchanged base first): chr2-214780643-GACTA-G. GRCh37 (hg19) VCF-style: chr2-215645367-GACTA-G.
Other names: c.1170_1173del, p.Ser391fs (NM_001282543.2); c.159-28092_159-28089del (NM_001282548.2); c.215+16414_215+16417del (NM_001282545.2); c.364+11650_364+11653del (NM_001282549.2); short protein forms S410fs, S391fs.
Identifiers: ClinVar variation 1448794 (VCV001448794.7), dbSNP rs2106107966, ClinGen allele CA2573135132.